The following is an entry in ClinVar:

ClinVar aggregate classification (germline): Uncertain significance (1 of 4 stars; one submission).

Submission:

Labcorp Genetics (formerly Invitae), Labcorp
Classification: Uncertain significance. Last evaluated: 2019-12-27. Review status: criteria provided, single submitter. Criteria: Invitae Variant Classification Sherloc (09022015). Collection method: clinical testing. Allele origin: germline.
Comment: In summary, the available evidence is currently insufficient to determine the role of this variant in disease. Therefore, it has been classified as a Variant of Uncertain Significance. Algorithms developed to predict the effect of missense changes on protein structure and function output the following: SIFT: "Tolerated"; PolyPhen-2: "Benign"; Align-GVGD: "Class C0". The leucine amino acid residue is found in multiple mammalian species, suggesting that this missense change does not adversely affect protein function. These predictions have not been confirmed by published functional studies and their clinical significance is uncertain. This sequence change replaces proline with leucine at codon 776 of the REST protein (p.Pro776Leu). The proline residue is weakly conserved and there is a moderate physicochemical difference between proline and leucine. This variant is not present in population databases (ExAC no frequency). This variant has not been reported in the literature in individuals with REST-related conditions.

NM_005612.5(REST):c.2327C>T (p.Pro776Leu)

Gene: REST (RE1 silencing transcription factor; plus strand). Cytogenetic location: 4q12.
Variant type: single nucleotide variant.
Coding change: c.2327C>T on transcript NM_005612.5 (MANE Select); coding-DNA position 2327, C replaced by T.
Protein change: p.Pro776Leu; replaces proline 776 with leucine.
Molecular consequence: missense variant.
Genome position (GRCh38, 1-based): chr4:56,931,185, C>T. VCF-style: chr4-56931185-C-T. GRCh37 (hg19) VCF-style: chr4-57797351-C-T.
Other names: c.2327C>T, p.Pro776Leu (NM_001193508.2, NM_001363453.3); short protein forms P776L.
Identifiers: ClinVar variation 853341 (VCV000853341.10), dbSNP rs1417816562, ClinGen allele CA357008557.